The following is an entry in ClinVar:

NM_000065.5(C6):c.1007A>G (p.Asp336Gly)

Gene: C6 (complement C6; minus strand). Cytogenetic location: 5p13.1.
Variant type: single nucleotide variant.
Coding change: c.1007A>G on transcript NM_000065.5 (MANE Select); coding-DNA position 1007, A replaced by G.
Protein change: p.Asp336Gly; replaces aspartic acid 336 with glycine.
Molecular consequence: missense variant.
Genome position (GRCh38, 1-based): chr5:41,176,636, T>C on the plus strand (A>G on the coding strand, the complement: C6 is on the minus strand). VCF-style: chr5-41176636-T-C. GRCh37 (hg19) VCF-style: chr5-41176738-T-C.
Other names: c.1007A>G, p.Asp336Gly (NM_001115131.4); short protein forms D336G.
Identifiers: ClinVar variation 2089936 (VCV002089936.4), dbSNP rs1412266338, ClinGen allele CA359600808.

ClinVar aggregate classification (germline): Uncertain significance (1 of 4 stars; one submission).

Allele frequency attached by ClinVar (database versions not stated): gnomAD exomes below 0.00001.
gnomAD v4.1: 4 of 1,613,854 alleles (0.00025%); highest among the groups gnomAD compares: South Asian, 0.0022%; no homozygotes.

Submission:

Labcorp Genetics (formerly Invitae), Labcorp
Classification: Uncertain significance. Last evaluated: 2022-11-03. Review status: criteria provided, single submitter. Criteria: Invitae Variant Classification Sherloc (09022015). Collection method: clinical testing. Allele origin: germline.
Comment: In summary, the available evidence is currently insufficient to determine the role of this variant in disease. Therefore, it has been classified as a Variant of Uncertain Significance. Algorithms developed to predict the effect of missense changes on protein structure and function are either unavailable or do not agree on the potential impact of this missense change (SIFT: "Deleterious"; PolyPhen-2: "Benign"; Align-GVGD: "Class C0"). This variant has not been reported in the literature in individuals affected with C6-related conditions. This variant is not present in population databases (gnomAD no frequency). This sequence change replaces aspartic acid, which is acidic and polar, with glycine, which is neutral and non-polar, at codon 336 of the C6 protein (p.Asp336Gly).